The following is an entry in ClinVar:

ClinVar aggregate classification (germline): Conflicting classifications of pathogenicity. Review status: criteria provided, conflicting classifications (1 of 4 stars). 4 submissions from 4 submitters: Uncertain significance (3); Likely benign (1). Last evaluated 2025-12-15.

Conditions:
Ehlers-Danlos syndrome, classic type, 1 (EDSCL1). Also called: Ehlers-Danlos Syndrome, Classic Type, COL5A1-Related; EHLERS-DANLOS SYNDROME, GRAVIS TYPE; EHLERS-DANLOS SYNDROME, SEVERE CLASSIC TYPE; Ehlers-Danlos syndrome, type 1; EDS I. Identifiers: MedGen C0268335, MONDO:0019567, OMIM 130000.

Allele frequency attached by ClinVar (database versions not stated): TOPMed below 0.00001; gnomAD exomes 0.00001; ExAC 0.00003.
gnomAD v4.1: 12 of 1,612,988 alleles (0.00074%); highest among the groups gnomAD compares: Non-Finnish European, 0.001%; no homozygotes.

Submissions (4):

Labcorp Genetics (formerly Invitae), Labcorp
Classification: Uncertain significance for Ehlers-Danlos syndrome, classic type, 1. Last evaluated: 2025-12-15. Review status: criteria provided, single submitter. Criteria: Invitae Variant Classification Sherloc (09022015). Collection method: clinical testing. Allele origin: germline.
Comment: This sequence change falls in intron 30 of the COL5A1 gene. It does not directly change the encoded amino acid sequence of the COL5A1 protein. It affects a nucleotide within the consensus splice site. This variant is present in population databases (rs199895142, gnomAD 0.003%). This variant has not been reported in the literature in individuals affected with COL5A1-related conditions. ClinVar contains an entry for this variant (Variation ID: 196658). Variants that disrupt the consensus splice site are a relatively common cause of aberrant splicing (PMID: 17576681, 9536098). Algorithms developed to predict the effect of sequence changes on RNA splicing suggest that this variant is not likely to affect RNA splicing. In summary, the available evidence is currently insufficient to determine the role of this variant in disease. Therefore, it has been classified as a Variant of Uncertain Significance.

Institute for Clinical Genetics, University Hospital TU Dresden, University Hospital TU Dresden
Classification: Uncertain significance. Last evaluated: 2022-03-16. Review status: criteria provided, single submitter. Criteria: ACMG Guidelines, 2015. Collection method: clinical testing. Allele origin: germline.
Comment: PM2_SUP, BP4

GeneDx
Classification: Likely benign. Last evaluated: 2017-04-25. Review status: criteria provided, single submitter. Criteria: GeneDx Variant Classification (06012015). Collection method: clinical testing. Allele origin: germline. Affected: yes.
Comment: This variant is considered likely benign or benign based on one or more of the following criteria: it is a conservative change, it occurs at a poorly conserved position in the protein, it is predicted to be benign by multiple in silico algorithms, and/or has population frequency not consistent with disease.

Eurofins Ntd Llc (ga)
Classification: Uncertain significance. Last evaluated: 2015-03-18. Review status: criteria provided, single submitter. Criteria: EGL Classification Definitions 2015. Collection method: clinical testing. Allele origin: germline. Observed: 1 variant allele, 1 heterozygote.

Literature cited by the submitters: PubMed 17576681 (cited by Labcorp Genetics (formerly Invitae), Labcorp); PubMed 9536098 (cited by Labcorp Genetics (formerly Invitae), Labcorp).

NM_000093.5(COL5A1):c.2593-3C>T

Gene: COL5A1 (collagen type V alpha 1 chain; plus strand). Cytogenetic location: 9q34.3.
Variant type: single nucleotide variant.
Coding change: c.2593-3C>T on transcript NM_000093.5 (MANE Select); 3 bases into the intron before coding-DNA position 2593, C replaced by T.
Molecular consequence: intron variant.
Genome position (GRCh38, 1-based): chr9:134,785,992, C>T. VCF-style: chr9-134785992-C-T. GRCh37 (hg19) VCF-style: chr9-137677838-C-T.
Other names: c.2593-3C>T (NM_001278074.1).
Identifiers: ClinVar variation 196658 (VCV000196658.49), dbSNP rs199895142, ClinGen allele CA243700.
Genomic context (GRCh38, chr9:134,785,992, plus strand): 5'-GCTCCGGGGAAACGGATGGAGCAATACCGTGCTGGCCATTAATGCAACTCTTTCTTCCCC[C>T]AGGGAAAACTCGGAGTCCCAGGGTTACCAGGGTATCCAGGAAGACAAGGACCAAAGGTAA-3'